The following is an entry in ClinVar:

NM_000264.5(PTCH1):c.3876C>T (p.Ser1292=)

Gene: PTCH1 (patched 1; minus strand). Cytogenetic location: 9q22.32.
Variant type: single nucleotide variant.
Coding change: c.3876C>T on transcript NM_000264.5 (MANE Select); coding-DNA position 3876, C replaced by T.
Protein change: p.Ser1292=; no amino-acid change (serine 1292 retained).
Molecular consequence: synonymous variant. On other transcripts: non-coding transcript variant (1).
Genome position (GRCh38, 1-based): chr9:95,447,380, G>A on the plus strand (C>T on the coding strand, the complement: PTCH1 is on the minus strand). VCF-style: chr9-95447380-G-A. GRCh37 (hg19) VCF-style: chr9-98209662-G-A.
Other names: c.3678C>T, p.Ser1226= (NM_001083602.3); c.3873C>T, p.Ser1291= (NM_001083603.3); c.3423C>T, p.Ser1141= (NM_001083604.3, NM_001083605.3, NM_001083606.3 and 1 more transcripts); c.3720C>T, p.Ser1240= (NM_001354918.2).
Identifiers: ClinVar variation 237488 (VCV000237488.17), dbSNP rs752197356, ClinGen allele CA5138019.

ClinVar aggregate classification (germline): Likely benign. Review status: criteria provided, multiple submitters, no conflicts (2 of 4 stars). 4 submissions from 4 submitters: Likely benign (4). Last evaluated 2026-07-01.

Conditions:
Hereditary cancer-predisposing syndrome. Also called: Hereditary neoplastic syndrome; Hereditary Cancer Syndrome; Neoplastic Syndromes, Hereditary; Tumor predisposition. Identifiers: Orphanet 140162, MedGen C0027672, MeSH D009386, MONDO:0015356.
Gorlin syndrome. Also called: Nevoid Basal Cell Carcinoma Syndrome; Basal cell nevus syndrome. Identifiers: Orphanet 377, MedGen C0004779, MONDO:0007187.

Allele frequency attached by ClinVar (database versions not stated): TOPMed below 0.00001; ExAC 0.00001; gnomAD exomes 0.00001.
gnomAD v4.1: 10 of 1,612,820 alleles (0.00062%); highest among the groups gnomAD compares: Admixed American, 0.0017%; no homozygotes.

Submissions (4):

CeGaT Center for Human Genetics Tuebingen
Classification: Likely benign. Last evaluated: 2026-07-01. Review status: criteria provided, single submitter. Criteria: CeGaT Center For Human Genetics Tuebingen Variant Classification Criteria Version 2. Collection method: clinical testing. Allele origin: germline. Affected: yes. Observed: 1 variant allele.
Comment: PTCH1: BP4, BP7

Labcorp Genetics (formerly Invitae), Labcorp
Classification: Likely benign for Gorlin syndrome. Last evaluated: 2025-11-15. Review status: criteria provided, single submitter. Criteria: Invitae Variant Classification Sherloc (09022015). Collection method: clinical testing. Allele origin: germline.

Ambry Genetics
Classification: Likely benign for Hereditary cancer-predisposing syndrome. Last evaluated: 2018-11-21. Review status: criteria provided, single submitter. Criteria: Ambry Variant Classification Scheme 2023. Collection method: clinical testing. Allele origin: germline.

GeneDx
Classification: Likely benign. Last evaluated: 2017-12-18. Review status: criteria provided, single submitter. Criteria: GeneDx Variant Classification (06012015). Collection method: clinical testing. Allele origin: germline. Affected: yes.
Comment: This variant is considered likely benign or benign based on one or more of the following criteria: it is a conservative change, it occurs at a poorly conserved position in the protein, it is predicted to be benign by multiple in silico algorithms, and/or has population frequency not consistent with disease.